The following is an entry in ClinVar:

NM_004104.5(FASN):c.3772G>A (p.Gly1258Ser)

Gene: FASN (fatty acid synthase; minus strand). Cytogenetic location: 17q25.3.
Variant type: single nucleotide variant.
Coding change: c.3772G>A on transcript NM_004104.5 (MANE Select); coding-DNA position 3772, G replaced by A.
Protein change: p.Gly1258Ser; replaces glycine 1258 with serine.
Molecular consequence: missense variant.
Genome position (GRCh38, 1-based): chr17:82,085,832, C>T on the plus strand (G>A on the coding strand, the complement: FASN is on the minus strand). VCF-style: chr17-82085832-C-T. GRCh37 (hg19) VCF-style: chr17-80043708-C-T.
Other names: short protein forms G1258S.
Identifiers: ClinVar variation 2075813 (VCV002075813.4), dbSNP rs2509835207, ClinGen allele CA401550306.

ClinVar aggregate classification (germline): Uncertain significance (1 of 4 stars; one submission).

Conditions:
Epileptic encephalopathy. Identifiers: MedGen C0543888, HP:0200134.

Submission:

Labcorp Genetics (formerly Invitae), Labcorp
Classification: Uncertain significance for Epileptic encephalopathy. Last evaluated: 2024-02-16. Review status: criteria provided, single submitter. Criteria: Invitae Variant Classification Sherloc (09022015). Collection method: clinical testing. Allele origin: germline.
Comment: This sequence change replaces glycine, which is neutral and non-polar, with serine, which is neutral and polar, at codon 1258 of the FASN protein (p.Gly1258Ser). This variant is not present in population databases (gnomAD no frequency). This variant has not been reported in the literature in individuals affected with FASN-related conditions. ClinVar contains an entry for this variant (Variation ID: 2075813). Algorithms developed to predict the effect of missense changes on protein structure and function output the following: SIFT: "Not Available"; PolyPhen-2: "Benign"; Align-GVGD: "Not Available". The serine amino acid residue is found in multiple mammalian species, which suggests that this missense change does not adversely affect protein function. In summary, the available evidence is currently insufficient to determine the role of this variant in disease. Therefore, it has been classified as a Variant of Uncertain Significance.